The following is an entry in ClinVar:

ClinVar aggregate classification (germline): Uncertain significance (1 of 4 stars; one submission).

Submission:

GeneDx
Classification: Uncertain significance. Last evaluated: 2025-01-21. Review status: criteria provided, single submitter. Criteria: GeneDx Variant Classification Process June 2021. Collection method: clinical testing. Allele origin: germline. Affected: yes.
Comment: Not observed at significant frequency in large population cohorts (gnomAD); In silico analysis supports that this missense variant has a deleterious effect on protein structure/function; In silico analysis suggests this variant may impact gene splicing. In the absence of RNA/functional studies, the actual effect of this sequence change is unknown.; Has not been previously published as pathogenic or benign to our knowledge

NM_006035.4(CDC42BPB):c.3577C>T (p.Leu1193Phe)

Gene: CDC42BPB (CDC42 binding protein kinase beta; minus strand). Cytogenetic location: 14q32.32.
Variant type: single nucleotide variant.
Coding change: c.3577C>T on transcript NM_006035.4 (MANE Select); coding-DNA position 3577, C replaced by T.
Protein change: p.Leu1193Phe; replaces leucine 1193 with phenylalanine.
Molecular consequence: missense variant.
Genome position (GRCh38, 1-based): chr14:102,946,639, G>A on the plus strand (C>T on the coding strand, the complement: CDC42BPB is on the minus strand). VCF-style: chr14-102946639-G-A. GRCh37 (hg19) VCF-style: chr14-103412976-G-A.
Other names: c.3499C>T, p.Leu1167Phe (NM_001411054.1); short protein forms L1167F, L1193F.
Identifiers: ClinVar variation 3371156 (VCV003371156.2).